The following is an entry in ClinVar:

ClinVar aggregate classification (germline): Uncertain significance (1 of 4 stars; one submission).

gnomAD v4.1: 1 of 1,613,950 alleles (0.000062%); highest among the groups gnomAD compares: South Asian, 0.0011%; no homozygotes.

Submission:

Women's Health and Genetics/Laboratory Corporation of America, LabCorp
Classification: Uncertain significance. Last evaluated: 2025-09-09. Review status: criteria provided, single submitter. Criteria: LabCorp Variant Classification Summary - May 2015. Collection method: clinical testing. Allele origin: germline.
Comment: Variant summary: COL17A1 c.2264G>C (p.Gly755Ala) results in a non-conservative amino acid change in the encoded protein sequence. Algorithms developed to predict the effect of missense changes on protein structure and function all suggest that this variant is likely to be disruptive. Consensus agreement among computation tools predict no significant impact on normal splicing. However, these predictions have yet to be confirmed by functional studies. The variant allele was found at a frequency of 4e-06 in 251264 control chromosomes. The available data on variant occurrences in the general population are insufficient to allow any conclusion about variant significance. To our knowledge, no occurrence of c.2264G>C in individuals affected with COL17A1-related conditions and no experimental evidence demonstrating its impact on protein function have been reported. No submitters have cited clinical-significance assessments for this variant to ClinVar. Based on the evidence outlined above, the variant was classified as uncertain significance.

NM_000494.4(COL17A1):c.2264G>C (p.Gly755Ala)

Gene: COL17A1 (collagen type XVII alpha 1 chain; minus strand). Cytogenetic location: 10q25.1.
Variant type: single nucleotide variant.
Coding change: c.2264G>C on transcript NM_000494.4 (MANE Select); coding-DNA position 2264, G replaced by C.
Protein change: p.Gly755Ala; replaces glycine 755 with alanine.
Molecular consequence: missense variant.
Genome position (GRCh38, 1-based): chr10:104,047,810, C>G on the plus strand (G>C on the coding strand, the complement: COL17A1 is on the minus strand). VCF-style: chr10-104047810-C-G. GRCh37 (hg19) VCF-style: chr10-105807568-C-G.
Other names: short protein forms G755A.
Identifiers: ClinVar variation 4535634 (VCV004535634.1).